The following is an entry in ClinVar:

ClinVar aggregate classification (germline): Conflicting classifications of pathogenicity. Review status: criteria provided, conflicting classifications (1 of 4 stars). 3 submissions from 3 submitters: Uncertain significance (2); Likely benign (1). Last evaluated 2025-01-13.

Allele frequency attached by ClinVar (database versions not stated): gnomAD exomes 0.00001 and 0.00002; ExAC 0.00002; gnomAD 0.00002; TOPMed 0.00002.
gnomAD v4.1: 17 of 1,613,226 alleles (0.0011%); highest among the groups gnomAD compares: East Asian, 0.0067%; no homozygotes.

Submissions (3):

Women's Health and Genetics/Laboratory Corporation of America, LabCorp
Classification: Uncertain significance. Last evaluated: 2025-01-13. Review status: criteria provided, single submitter. Criteria: LabCorp Variant Classification Summary - May 2015. Collection method: clinical testing. Allele origin: germline.
Comment: Variant summary: TTN c.35188G>A (p.Glu11730Lys) results in a conservative amino acid change in the encoded protein sequence. Four of four in-silico tools predict a benign effect of the variant on protein function. The variant allele was found at a frequency of 1.6e-05 in 248512 control chromosomes. The available data on variant occurrences in the general population are insufficient to allow any conclusion about variant significance. c.35188G>A has been reported in the literature in at least one individual with sudden cardiac death (Campuzano_2015). These report(s) do not provide unequivocal conclusions about association of the variant with Dilated Cardiomyopathy. To our knowledge, no experimental evidence demonstrating an impact on protein function has been reported. The following publications have been ascertained in the context of this evaluation (PMID: 26516846, 35207729). ClinVar contains an entry for this variant (Variation ID: 514303). Based on the evidence outlined above, the variant was classified as uncertain significance.

Eurofins Ntd Llc (ga)
Classification: Uncertain significance. Last evaluated: 2018-01-04. Review status: criteria provided, single submitter. Criteria: EGL Classification Definitions 2015. Collection method: clinical testing. Allele origin: germline. Observed: 1 variant allele, 1 heterozygote.

GeneDx
Classification: Likely benign. Last evaluated: 2017-12-22. Review status: criteria provided, single submitter. Criteria: GeneDx Variant Classification (06012015). Collection method: clinical testing. Allele origin: germline. Affected: yes.
Comment: This variant is considered likely benign or benign based on one or more of the following criteria: it is a conservative change, it occurs at a poorly conserved position in the protein, it is predicted to be benign by multiple in silico algorithms, and/or has population frequency not consistent with disease.

Literature cited by the submitters: PubMed 26516846 (cited by Women's Health and Genetics/Laboratory Corporation of America, LabCorp); PubMed 35207729 (cited by Women's Health and Genetics/Laboratory Corporation of America, LabCorp).

NM_001267550.2(TTN):c.42892G>A (p.Glu14298Lys)

Gene: TTN (titin; minus strand). Cytogenetic location: 2q31.2.
Variant type: single nucleotide variant.
Coding change: c.42892G>A on transcript NM_001267550.2 (MANE Select); coding-DNA position 42892, G replaced by A.
Protein change: p.Glu14298Lys; replaces glutamic acid 14298 with lysine.
Molecular consequence: missense variant.
Genome position (GRCh38, 1-based): chr2:178,633,467, C>T on the plus strand (G>A on the coding strand, the complement: TTN is on the minus strand). VCF-style: chr2-178633467-C-T. GRCh37 (hg19) VCF-style: chr2-179498194-C-T.
Other names: c.37969G>A, p.Glu12657Lys (NM_001256850.1); c.15697G>A, p.Glu5233Lys (NM_003319.4); c.35188G>A, p.Glu11730Lys (NM_133378.4); c.16072G>A, p.Glu5358Lys (NM_133432.3); c.16273G>A, p.Glu5425Lys (NM_133437.4); short protein forms E12657K, E14298K, E11730K, E5425K, E5233K, E5358K.
Identifiers: ClinVar variation 514303 (VCV000514303.7), dbSNP rs778634417, ClinGen allele CA1995998.